The following is an entry in ClinVar:

NM_000257.4(MYH7):c.2988G>A (p.Lys996=)

Gene: MYH7 (myosin heavy chain 7; minus strand). Cytogenetic location: 14q11.2.
Variant type: single nucleotide variant.
Coding change: c.2988G>A on transcript NM_000257.4 (MANE Select); coding-DNA position 2988, G replaced by A.
Protein change: p.Lys996=; no amino-acid change (lysine 996 retained).
Molecular consequence: synonymous variant.
Genome position (GRCh38, 1-based): chr14:23,423,658, C>T on the plus strand (G>A on the coding strand, the complement: MYH7 is on the minus strand). VCF-style: chr14-23423658-C-T. GRCh37 (hg19) VCF-style: chr14-23892867-C-T.
Identifiers: ClinVar variation 525083 (VCV000525083.10), dbSNP rs1176423898, ClinGen allele CA485766583.
Genomic context (GRCh38, chr14:23,423,658, plus strand): 5'-CTTGTCCTCCTCGGCCTGAAGGTCATCCAGAGCCTGTTGGTGGGCCTCTTGCAGAGCTTT[C>T]TTCTCCTTGGTCAGCTTGGCAATGATCTCATCCAGCCCAGCCATCTCCTCTGTCAGGTTT-3'
Protein context (NP_000248.2, residues 986-1006): DEIIAKLTKE[Lys996=]KALQEAHQQA

ClinVar aggregate classification (germline): Likely benign. Review status: criteria provided, multiple submitters, no conflicts (2 of 4 stars). 3 submissions from 3 submitters: Likely benign (3). Last evaluated 2026-07-27.

Conditions:
Hypertrophic cardiomyopathy. Also called: HYPERTROPHIC MYOCARDIOPATHY. Identifiers: Orphanet 217569, MedGen C0007194, MeSH D002312, MONDO:0005045, HP:0001639.
MYH7-related disorder. Also called: MYH7-related condition; MYH7-related disease; MYH7-related disorders.
Cardiomyopathy (CMYO). Also called: Cardiomyopathies. Identifiers: Orphanet 167848, MedGen C0878544, MONDO:0004994, HP:0001638. Inheritance: Various modes of inheritance.

Allele frequency attached by ClinVar (database versions not stated): TOPMed 0.00002; gnomAD 0.00003.
gnomAD v4.1: 5 of 1,614,006 alleles (0.00031%); highest among the groups gnomAD compares: African/African-American, 0.004%; no homozygotes.

Submissions (3):

PreventionGenetics, part of Exact Sciences
Classification: Likely benign for MYH7-related condition. Last evaluated: 2026-07-27. Review status: criteria provided, single submitter. Criteria: ACMG Guidelines, 2015. Collection method: clinical testing. Allele origin: germline.
Comment: This variant is classified as likely benign based on ACMG/AMP sequence variant interpretation guidelines (Richards et al. 2015 PMID: 25741868, with internal and published modifications).

Labcorp Genetics (formerly Invitae), Labcorp
Classification: Likely benign for Hypertrophic cardiomyopathy. Last evaluated: 2025-11-16. Review status: criteria provided, single submitter. Criteria: Invitae Variant Classification Sherloc (09022015). Collection method: clinical testing. Allele origin: germline.

Color Diagnostics, LLC DBA Color Health
Classification: Likely benign for Cardiomyopathy. Last evaluated: 2022-09-15. Review status: criteria provided, single submitter. Criteria: ACMG Guidelines, 2015. Collection method: clinical testing. Allele origin: germline.